The following is an entry in ClinVar:

ClinVar aggregate classification (germline): Uncertain significance (1 of 4 stars; one submission).

Conditions:
Left ventricular noncompaction 8 (LVNC8). Identifiers: Orphanet 154, Orphanet 54260, MedGen C3809288, MONDO:0014152, OMIM 615373.

gnomAD v4.1: 7 of 1,583,074 alleles (0.00044%); highest among the groups gnomAD compares: East Asian, 0.0023%; no homozygotes.

Submission:

Labcorp Genetics (formerly Invitae), Labcorp
Classification: Uncertain significance for Left ventricular noncompaction 8. Last evaluated: 2025-12-08. Review status: criteria provided, single submitter. Criteria: Invitae Variant Classification Sherloc (09022015). Collection method: clinical testing. Allele origin: germline.
Comment: This sequence change replaces arginine, which is basic and polar, with glutamine, which is neutral and polar, at codon 810 of the PRDM16 protein (p.Arg810Gln). The frequency data for this variant in the population databases is considered unreliable, as metrics indicate poor data quality at this position in the gnomAD database. This variant has not been reported in the literature in individuals affected with PRDM16-related conditions. ClinVar contains an entry for this variant (Variation ID: 2061835). An algorithm developed to predict the effect of missense changes on protein structure and function (PolyPhen-2) suggests that this variant is likely to be disruptive. In summary, the available evidence is currently insufficient to determine the role of this variant in disease. Therefore, it has been classified as a Variant of Uncertain Significance.

NM_022114.4(PRDM16):c.2429G>A (p.Arg810Gln)

Gene: PRDM16 (PR/SET domain 16; plus strand). Cytogenetic location: 1p36.32.
Variant type: single nucleotide variant.
Coding change: c.2429G>A on transcript NM_022114.4 (MANE Select); coding-DNA position 2429, G replaced by A.
Protein change: p.Arg810Gln; replaces arginine 810 with glutamine.
Molecular consequence: missense variant.
Genome position (GRCh38, 1-based): chr1:3,412,626, G>A. VCF-style: chr1-3412626-G-A. GRCh37 (hg19) VCF-style: chr1-3329190-G-A.
Other names: c.2429G>A, p.Arg810Gln (NM_199454.3); short protein forms R810Q.
Identifiers: ClinVar variation 2061835 (VCV002061835.4), dbSNP rs1394386492, ClinGen allele CA338000477.